The following is an entry in ClinVar:

NM_017837.4(PIGV):c.1004_1007dup (p.Leu337fs)

Gene: PIGV (phosphatidylinositol glycan anchor biosynthesis class V; plus strand). Cytogenetic location: 1p36.11.
Variant type: Duplication.
Coding change: c.1004_1007dup on transcript NM_017837.4 (MANE Select); coding-DNA positions 1004 to 1007, 4 bases duplicated (CTAT; older notation c.1004_1007dupCTAT).
Protein change: p.Leu337fs; shifts the reading frame from leucine 337.
Molecular consequence: frameshift variant. On other transcripts: non-coding transcript variant (1), intron variant (1).
Genome position (GRCh38, 1-based): chr1:26,795,038-26,795,041, CTAT duplicated. VCF-style (leftmost placement, unchanged base first): chr1-26795037-G-GCTAT. GRCh37 (hg19) VCF-style: chr1-27121528-G-GCTAT.
Other names: c.1004_1007dup, p.Leu337fs (NM_001202554.2, NM_001374478.1, NM_001374480.1 and 2 more transcripts); c.623_626dup, p.Leu210fs (NM_001374483.1); c.377_380dup, p.Leu128fs (NM_001374484.1, NM_001374485.1); c.79-2525_79-2522dup (NM_001374486.1); short protein forms L128fs, L210fs, L337fs.
Identifiers: ClinVar variation 1353197 (VCV001353197.6), dbSNP rs2124197173, ClinGen allele CA2573132229.

ClinVar aggregate classification (germline): Uncertain significance (1 of 4 stars; one submission).

Submission:

Labcorp Genetics (formerly Invitae), Labcorp
Classification: Uncertain significance. Last evaluated: 2022-09-19. Review status: criteria provided, single submitter. Criteria: Invitae Variant Classification Sherloc (09022015). Collection method: clinical testing. Allele origin: germline.
Comment: In summary, the available evidence is currently insufficient to determine the role of this variant in disease. Therefore, it has been classified as a Variant of Uncertain Significance. ClinVar contains an entry for this variant (Variation ID: 1353197). This variant has not been reported in the literature in individuals affected with PIGV-related conditions. This variant is not present in population databases (gnomAD no frequency). This sequence change creates a premature translational stop signal (p.Leu337Tyrfs*30) in the PIGV gene. It is expected to result in an absent or disrupted protein product. However, the current clinical and genetic evidence is not sufficient to establish whether loss-of-function variants in PIGV cause disease.